The following is an entry in ClinVar:

NM_001848.3(COL6A1):c.806G>A (p.Gly269Glu)

Gene: COL6A1 (collagen type VI alpha 1 chain; plus strand). Cytogenetic location: 21q22.3.
Variant type: single nucleotide variant.
Coding change: c.806G>A on transcript NM_001848.3 (MANE Select); coding-DNA position 806, G replaced by A.
Protein change: p.Gly269Glu; replaces glycine 269 with glutamic acid.
Molecular consequence: missense variant.
Genome position (GRCh38, 1-based): chr21:45,989,085, G>A. VCF-style: chr21-45989085-G-A. GRCh37 (hg19) VCF-style: chr21-47408999-G-A.
Other names: short protein forms G269E.
Identifiers: ClinVar variation 871479 (VCV000871479.46), dbSNP rs2077759104, ClinGen allele CA410521350.

ClinVar aggregate classification (germline): Pathogenic. Review status: criteria provided, multiple submitters, no conflicts (2 of 4 stars). 2 submissions from 2 submitters: Pathogenic (2). Last evaluated 2025-07-09.

Conditions:
Bethlem myopathy 1A. Also called: Bethlem myopathy 1; Bethlem Muscular Dystrophy; MYOPATHY, BENIGN CONGENITAL, WITH CONTRACTURES. Identifiers: Orphanet 610, MedGen CN029274, MONDO:0024530, OMIM 158810.

Submissions (2):

Labcorp Genetics (formerly Invitae), Labcorp
Classification: Pathogenic for Bethlem myopathy 1A. Last evaluated: 2025-07-09. Review status: criteria provided, single submitter. Criteria: Invitae Variant Classification Sherloc (09022015). Collection method: clinical testing. Allele origin: germline.
Comment: This sequence change replaces glycine, which is neutral and non-polar, with glutamic acid, which is acidic and polar, at codon 269 of the COL6A1 protein (p.Gly269Glu). This variant is not present in population databases (gnomAD no frequency). This missense change has been observed in individual(s) with autosomal dominant Ullrich congenital muscular dystrophy (PMID: 24271325, 34167565). In at least one individual the variant was observed to be de novo. ClinVar contains an entry for this variant (Variation ID: 871479). Experimental studies and prediction algorithms are not available or were not evaluated, and the functional significance of this variant is currently unknown. This variant disrupts the triple helix domain of COL6A1. Glycine residues within the Gly-Xaa-Yaa repeats of the triple helix domain are required for the structure and stability of fibrillar collagens (PMID: 7695699, 8218237, 19344236). In COL6A1, variants at these glycine residues are significantly enriched in individuals with autosomal dominant disease (PMID: 15689448, 24038877) compared to the general population (ExAC). For these reasons, this variant has been classified as Pathogenic.

CeGaT Center for Human Genetics Tuebingen
Classification: Pathogenic. Last evaluated: 2019-05-01. Review status: criteria provided, single submitter. Criteria: CeGaT Center For Human Genetics Tuebingen Variant Classification Criteria Version 2. Collection method: clinical testing. Allele origin: germline. Affected: yes. Observed: 3 variant alleles.

Literature cited by the submitters: PubMed 24271325 (cited by Labcorp Genetics (formerly Invitae), Labcorp); PubMed 34167565 (cited by Labcorp Genetics (formerly Invitae), Labcorp); PubMed 7695699 (cited by Labcorp Genetics (formerly Invitae), Labcorp); PubMed 8218237 (cited by Labcorp Genetics (formerly Invitae), Labcorp); PubMed 19344236 (cited by Labcorp Genetics (formerly Invitae), Labcorp); PubMed 15689448 (cited by Labcorp Genetics (formerly Invitae), Labcorp); PubMed 24038877 (cited by Labcorp Genetics (formerly Invitae), Labcorp).